The following is an entry in ClinVar:

NM_001384732.1(CPLANE1):c.994_996del (p.Met332del)

Gene: CPLANE1 (ciliogenesis and planar polarity effector complex subunit 1; minus strand). Cytogenetic location: 5p13.2.
Variant type: Deletion.
Coding change: c.994_996del on transcript NM_001384732.1 (MANE Select); coding-DNA positions 994 to 996, 3 bases deleted (ATG; older notation c.994_996delATG).
Protein change: p.Met332del; deletes methionine 332.
Molecular consequence: inframe deletion.
Genome position (GRCh38, 1-based): chr5:37,230,992-37,230,994, CAT deleted on the plus strand (ATG on the coding strand, the reverse complement: CPLANE1 is on the minus strand). VCF-style (leftmost placement, unchanged base first): chr5-37230991-ACAT-A. GRCh37 (hg19) VCF-style: chr5-37231093-ACAT-A.
Other names: c.994_996del, p.Met332del (NM_023073.4); short protein forms M332del.
Identifiers: ClinVar variation 917925 (VCV000917925.3), dbSNP rs1797611349, ClinGen allele CA1139658799.
Genomic context (GRCh38, chr5:37,230,991, plus strand): 5'-ATGTAATTAATGTTAGCAATTCACCTTGGCAGGTCAATAAAACCAGAGAGCCACGTTTTA[ACAT>A]ACAAGCCAGAAAAAGACTATCATGCGTCCAGCTGATATCACCTACCCAGTAGGACCTATA-3'

ClinVar aggregate classification (germline): Uncertain significance. Review status: criteria provided, single submitter (1 of 4 stars). 2 submissions from 1 submitter: Uncertain significance (1). 1 of the submissions does not count toward it. Last evaluated 2024-03-25.

Conditions:
Orofaciodigital syndrome type 6 (OFD6). Also called: OROFACIODIGITAL SYNDROME VI; OFDS VI; POLYDACTYLY, CLEFT LIP/PALATE OR LINGUAL LUMP, AND PSYCHOMOTOR RETARDATION; VARADI SYNDROME; VARADI-PAPP SYNDROME; Oral-facial-digital syndrome type 6. Identifiers: Orphanet 2754, MedGen C2745997, MONDO:0010176, OMIM 277170.
Joubert syndrome 17 (JBTS17). Identifiers: Orphanet 475, MedGen C3553264, MONDO:0013824, OMIM 614615.

Submissions (2):

Genomic Medicine Center of Excellence, King Faisal Specialist Hospital and Research Centre
Classification: Uncertain significance for Orofaciodigital syndrome type 6. Last evaluated: 2024-03-25. Review status: criteria provided, single submitter. Criteria: ACMG Guidelines, 2015. Collection method: research. Allele origin: germline.

Genomic Medicine Center of Excellence, King Faisal Specialist Hospital and Research Centre
Classification: Likely pathogenic for Joubert syndrome 17. Review status: no assertion criteria provided. Collection method: research. Allele origin: germline. Affected: yes. Not counted in ClinVar's aggregate classification.
Comment: It was observed with the other variant (NM_023073.3:c.4629T>G)